The following is an entry in ClinVar:

ClinVar aggregate classification (germline): Uncertain significance. Review status: criteria provided, single submitter (1 of 4 stars). 2 submissions from 2 submitters: Uncertain significance (1). 1 of the submissions does not count toward it. Last evaluated 2025-03-17.

Conditions:
Duchenne muscular dystrophy (DMD). Also called: Duchenne Muscular Dystrophy (DMD); MUSCULAR DYSTROPHY, PSEUDOHYPERTROPHIC PROGRESSIVE, DUCHENNE TYPE. Identifiers: Orphanet 98896, MedGen C0013264, MONDO:0010679, OMIM 310200.
DMD-related disorder. Also called: DMD-related condition.

Allele frequency attached by ClinVar (database versions not stated): ExAC 0.00001.

Submissions (2):

Labcorp Genetics (formerly Invitae), Labcorp
Classification: Uncertain significance for Duchenne muscular dystrophy. Last evaluated: 2025-03-17. Review status: criteria provided, single submitter. Criteria: Invitae Variant Classification Sherloc (09022015). Collection method: clinical testing. Allele origin: germline.
Comment: This sequence change replaces methionine, which is neutral and non-polar, with valine, which is neutral and non-polar, at codon 1592 of the DMD protein (p.Met1592Val). This variant is not present in population databases (gnomAD no frequency). This variant has not been reported in the literature in individuals affected with DMD-related conditions. ClinVar contains an entry for this variant (Variation ID: 2421030). Invitae Evidence Modeling of protein sequence and biophysical properties (such as structural, functional, and spatial information, amino acid conservation, physicochemical variation, residue mobility, and thermodynamic stability) indicates that this missense variant is not expected to disrupt DMD protein function with a negative predictive value of 95%. In summary, the available evidence is currently insufficient to determine the role of this variant in disease. Therefore, it has been classified as a Variant of Uncertain Significance.

PreventionGenetics, part of Exact Sciences
Classification: Uncertain significance for DMD-related condition. Last evaluated: 2024-05-31. Review status: no assertion criteria provided. Collection method: clinical testing. Allele origin: germline. Not counted in ClinVar's aggregate classification.
Comment: The DMD c.4774A>G variant is predicted to result in the amino acid substitution p.Met1592Val. To our knowledge, this variant has not been reported in the literature. This variant is reported in 0.0036% of alleles in individuals of Latino descent in gnomAD. At this time, the clinical significance of this variant is uncertain due to the absence of conclusive functional and genetic evidence.

NM_004006.3(DMD):c.4774A>G (p.Met1592Val)

Gene: DMD (dystrophin; minus strand). Cytogenetic location: Xp21.1.
Variant type: single nucleotide variant.
Coding change: c.4774A>G on transcript NM_004006.3 (MANE Select); coding-DNA position 4774, A replaced by G.
Protein change: p.Met1592Val; replaces methionine 1592 with valine.
Molecular consequence: missense variant.
Genome position (GRCh38, 1-based): chrX:32,380,581, T>C on the plus strand (A>G on the coding strand, the complement: DMD is on the minus strand). VCF-style: chrX-32380581-T-C. GRCh37 (hg19) VCF-style: chrX-32398698-T-C.
Other names: c.4750A>G, p.Met1584Val (NM_000109.4); c.4762A>G, p.Met1588Val (NM_004009.3); c.4405A>G, p.Met1469Val (NM_004010.3); c.751A>G, p.Met251Val (NM_004011.4); c.742A>G, p.Met248Val (NM_004012.4); short protein forms M1469V, M1584V, M1588V, M1592V, M248V, M251V.
Identifiers: ClinVar variation 2421030 (VCV002421030.6), dbSNP rs748205396, ClinGen allele CA10378865.
Genomic context (GRCh38, chrX:32,380,581, plus strand): 5'-CAACTTCAGAATCCAAATTACTAGGCATTCCTTCAACTGCTGATCTCTTTGTCAATTCCA[T>C]ATCTGTAGCTGCCAGCCATTCTGTCAAGACATTCATTTCCTTTCGCATCTTACGGGACAA-3'
Protein context (NP_003997.2, residues 1582-1602): VLTEWLAATD[Met1592Val]ELTKRSAVEG